The following is an entry in ClinVar:

ClinVar aggregate classification (germline): Likely benign (0 of 4 stars; one submission).

Conditions:
BBS10-related disorder. Also called: BBS10-related condition.

Submission:

PreventionGenetics, part of Exact Sciences
Classification: Likely benign for BBS10-related condition. Last evaluated: 2024-04-05. Review status: no assertion criteria provided. Collection method: clinical testing. Allele origin: germline.
Comment: This variant is classified as likely benign based on ACMG/AMP sequence variant interpretation guidelines (Richards et al. 2015 PMID: 25741868, with internal and published modifications).

NM_024685.4(BBS10):c.1302A>G (p.Thr434=)

Gene: BBS10 (Bardet-Biedl syndrome 10; minus strand). Cytogenetic location: 12q21.2.
Variant type: single nucleotide variant.
Coding change: c.1302A>G on transcript NM_024685.4 (MANE Select); coding-DNA position 1302, A replaced by G.
Protein change: p.Thr434=; no amino-acid change (threonine 434 retained).
Molecular consequence: synonymous variant.
Genome position (GRCh38, 1-based): chr12:76,346,683, T>C on the plus strand (A>G on the coding strand, the complement: BBS10 is on the minus strand). VCF-style: chr12-76346683-T-C. GRCh37 (hg19) VCF-style: chr12-76740463-T-C.
Identifiers: ClinVar variation 3345544 (VCV003345544.1).